The following is an entry in ClinVar:

NM_017514.5(PLXNA3):c.719C>T (p.Thr240Met)

Gene: PLXNA3 (plexin A3; plus strand). Cytogenetic location: Xq28.
Variant type: single nucleotide variant.
Coding change: c.719C>T on transcript NM_017514.5 (MANE Select); coding-DNA position 719, C replaced by T.
Protein change: p.Thr240Met; replaces threonine 240 with methionine.
Molecular consequence: missense variant.
Genome position (GRCh38, 1-based): chrX:154,461,223, C>T. VCF-style: chrX-154461223-C-T. GRCh37 (hg19) VCF-style: chrX-153689563-C-T.
Other names: short protein forms T240M.
Identifiers: ClinVar variation 2305381 (VCV002305381.5), dbSNP rs373466863, ClinGen allele CA10563790.
Genomic context (GRCh38, chrX:154,461,223, plus strand): 5'-CTGCCTTTGACATCTACTACATCTACGGCTTCGTCAGCGCCTCCTTCGTGTACTTCCTGA[C>T]GCTGCAGCTGGACACCCAGCAGACGCTGTTGGACACAGCGGGCGAGAAATTTTTCACGTC-3'
Protein context (NP_059984.3, residues 230-250): FVSASFVYFL[Thr240Met]LQLDTQQTLL

ClinVar aggregate classification (germline): Conflicting classifications of pathogenicity. Review status: criteria provided, conflicting classifications (1 of 4 stars). 2 submissions from 2 submitters: Uncertain significance (1); Likely benign (1). Last evaluated 2026-07-30.

Conditions:
PLXNA3-related disorder. Also called: PLXNA3-related condition.

Allele frequency attached by ClinVar (database versions not stated): gnomAD 0.00011; TOPMed 0.00011; ExAC 0.00019; ESP Exome Variant Server 0.00019; gnomAD exomes 0.00029.

Submissions (2):

PreventionGenetics, part of Exact Sciences
Classification: Likely benign for PLXNA3-related condition. Last evaluated: 2026-07-30. Review status: criteria provided, single submitter. Criteria: ACMG Guidelines, 2015. Collection method: clinical testing. Allele origin: germline.
Comment: This variant is classified as likely benign based on ACMG/AMP sequence variant interpretation guidelines (Richards et al. 2015 PMID: 25741868, with internal and published modifications).

Ambry Genetics
Classification: Uncertain significance. Last evaluated: 2021-10-06. Review status: criteria provided, single submitter. Criteria: Ambry Variant Classification Scheme 2023. Collection method: clinical testing. Allele origin: germline.